The following is an entry in ClinVar:

NM_021252.5(RAB18):c.125-92A>G

Gene: RAB18 (RAB18, member RAS oncogene family; plus strand). Cytogenetic location: 10p12.1.
Variant type: single nucleotide variant.
Coding change: c.125-92A>G on transcript NM_021252.5 (MANE Select); 92 bases into the intron before coding-DNA position 125, A replaced by G.
Molecular consequence: intron variant.
Genome position (GRCh38, 1-based): chr10:27,526,736, A>G. VCF-style: chr10-27526736-A-G. GRCh37 (hg19) VCF-style: chr10-27815665-A-G.
Other names: c.125-92A>G (NM_001256410.2, NM_001256411.2, NM_001256412.2).
Identifiers: ClinVar variation 668606 (VCV000668606.2), dbSNP rs2642273, ClinGen allele CA204496809.

ClinVar aggregate classification (germline): Benign. Review status: criteria provided, multiple submitters, no conflicts (2 of 4 stars). 2 submissions from 2 submitters: Benign (2). Last evaluated 2018-06-19.

Allele frequency attached by ClinVar (database versions not stated): 1000 Genomes Project 30x 0.24969; 1000 Genomes Project 0.25140; TOPMed 0.28159; gnomAD 0.28204 and 0.28308; gnomAD exomes 0.31920.
gnomAD v4.1: 478,921 of 1,520,372 alleles (32%); highest among the groups gnomAD compares: Admixed American, 37%; 77,915 homozygotes.

Submissions (2):

GeneDx
Classification: Benign. Last evaluated: 2018-06-19. Review status: criteria provided, single submitter. Criteria: GeneDx Variant Classification (06012015). Collection method: clinical testing. Allele origin: germline. Affected: yes.
Comment: This variant is considered likely benign or benign based on one or more of the following criteria: it is a conservative change, it occurs at a poorly conserved position in the protein, it is predicted to be benign by multiple in silico algorithms, and/or has population frequency not consistent with disease.

Breakthrough Genomics
Classification: Benign. Review status: criteria provided, single submitter. Criteria: ACMG Guidelines, 2015. Collection method: not provided. Allele origin: germline. Inheritance: Autosomal recessive inheritance. Affected: yes.